The following is an entry in ClinVar:

NM_005236.3(ERCC4):c.20C>T (p.Ala7Val)

Genes: ERCC4 (ERCC excision repair 4, endonuclease catalytic subunit; plus strand), LOC130058543 (ATAC-STARR-seq lymphoblastoid active region 10486; plus strand). Cytogenetic location: 16p13.12.
Variant type: single nucleotide variant.
Coding change: c.20C>T on transcript NM_005236.3 (MANE Select); coding-DNA position 20, C replaced by T.
Protein change: p.Ala7Val; replaces alanine 7 with valine.
Molecular consequence: missense variant.
Genome position (GRCh38, 1-based): chr16:13,920,185, C>T. VCF-style: chr16-13920185-C-T. GRCh37 (hg19) VCF-style: chr16-14014042-C-T.
Other names: short protein forms A7V.
Identifiers: ClinVar variation 2096889 (VCV002096889.4), dbSNP rs1319883296, ClinGen allele CA394815849.

ClinVar aggregate classification (germline): Uncertain significance (1 of 4 stars; one submission).

Conditions:
Xeroderma pigmentosum, group F (XPF). Also called: ERCC4-Related Xeroderma Pigmentosum; XERODERMA PIGMENTOSUM, TYPE F; Xeroderma pigmentosum, type 6; XERODERMA PIGMENTOSUM, COMPLEMENTATION GROUP F; XERODERMA PIGMENTOSUM VI; XP, GROUP F. Identifiers: MedGen C0268140, MONDO:0010215, OMIM 278760.
Cockayne syndrome. Identifiers: Orphanet 191, MedGen C0009207, MONDO:0016006.
Fanconi anemia complementation group Q. Identifiers: Orphanet 84, MedGen C3808988, MONDO:0014108, OMIM 615272.

Allele frequency attached by ClinVar (database versions not stated): gnomAD exomes below 0.00001; TOPMed 0.00001.
gnomAD v4.1: 3 of 1,606,164 alleles (0.00019%); highest among the groups gnomAD compares: Non-Finnish European, 0.00017%; no homozygotes.

Submission:

Labcorp Genetics (formerly Invitae), Labcorp
Classification: Uncertain significance for Fanconi anemia complementation group Q; Xeroderma pigmentosum, group F; Cockayne syndrome. Last evaluated: 2022-04-22. Review status: criteria provided, single submitter. Criteria: Invitae Variant Classification Sherloc (09022015). Collection method: clinical testing. Allele origin: germline.
Comment: This sequence change replaces alanine, which is neutral and non-polar, with valine, which is neutral and non-polar, at codon 7 of the ERCC4 protein (p.Ala7Val). This variant is not present in population databases (gnomAD no frequency). This variant has not been reported in the literature in individuals affected with ERCC4-related conditions. Algorithms developed to predict the effect of missense changes on protein structure and function output the following: SIFT: "Tolerated"; PolyPhen-2: "Benign"; Align-GVGD: "Class C0". The valine amino acid residue is found in multiple mammalian species, which suggests that this missense change does not adversely affect protein function. In summary, the available evidence is currently insufficient to determine the role of this variant in disease. Therefore, it has been classified as a Variant of Uncertain Significance.